The following is an entry in ClinVar:

NM_004946.3(DOCK2):c.1186G>A (p.Asp396Asn)

Gene: DOCK2 (dedicator of cytokinesis 2; plus strand). Cytogenetic location: 5q35.1.
Variant type: single nucleotide variant.
Coding change: c.1186G>A on transcript NM_004946.3 (MANE Select); coding-DNA position 1186, G replaced by A.
Protein change: p.Asp396Asn; replaces aspartic acid 396 with asparagine.
Molecular consequence: missense variant. On other transcripts: non-coding transcript variant (1).
Genome position (GRCh38, 1-based): chr5:169,700,067, G>A. VCF-style: chr5-169700067-G-A. GRCh37 (hg19) VCF-style: chr5-169127071-G-A.
Other names: short protein forms D396N.
Identifiers: ClinVar variation 1485247 (VCV001485247.8), dbSNP rs770750889, ClinGen allele CA3553393.

ClinVar aggregate classification (germline): Uncertain significance (1 of 4 stars; one submission).

Conditions:
DOCK2 deficiency. Also called: Immunodeficiency 40. Identifiers: Orphanet 447737, MedGen C4225328, MONDO:0014637, OMIM 616433.

Allele frequency attached by ClinVar (database versions not stated): gnomAD exomes below 0.00001; ExAC 0.00001.
gnomAD v4.1: 3 of 1,614,040 alleles (0.00019%); highest among the groups gnomAD compares: Non-Finnish European, 0.00025%; no homozygotes.

Submission:

Labcorp Genetics (formerly Invitae), Labcorp
Classification: Uncertain significance for DOCK2 deficiency. Last evaluated: 2025-03-31. Review status: criteria provided, single submitter. Criteria: Invitae Variant Classification Sherloc (09022015). Collection method: clinical testing. Allele origin: germline.
Comment: This sequence change replaces aspartic acid, which is acidic and polar, with asparagine, which is neutral and polar, at codon 396 of the DOCK2 protein (p.Asp396Asn). This variant is present in population databases (rs770750889, gnomAD 0.0009%). This variant has not been reported in the literature in individuals affected with DOCK2-related conditions. ClinVar contains an entry for this variant (Variation ID: 1485247). An algorithm developed to predict the effect of missense changes on protein structure and function (PolyPhen-2) suggests that this variant is likely to be tolerated. In summary, the available evidence is currently insufficient to determine the role of this variant in disease. Therefore, it has been classified as a Variant of Uncertain Significance.